The following is an entry in ClinVar:

NM_004006.3(DMD):c.9362-939C>T

Gene: DMD (dystrophin; minus strand). Cytogenetic location: Xp21.2.
Variant type: single nucleotide variant.
Coding change: c.9362-939C>T on transcript NM_004006.3 (MANE Select); 939 bases into the intron before coding-DNA position 9362, C replaced by T.
Molecular consequence: intron variant.
Genome position (GRCh38, 1-based): chrX:31,210,638, G>A on the plus strand (C>T on the coding strand, the complement: DMD is on the minus strand). VCF-style: chrX-31210638-G-A. GRCh37 (hg19) VCF-style: chrX-31228755-G-A.
Other names: c.9338-939C>T (NM_000109.4); c.5339-939C>T (NM_004011.4); c.5330-939C>T (NM_004012.4); c.1982-939C>T (NM_004023.3, NM_004020.4, NM_004022.3 and 2 more transcripts); c.1175-939C>T (NM_004014.3); c.158-939C>T (NM_004018.3, NM_004017.3, NM_004016.3 and 2 more transcripts); c.9350-939C>T (NM_004009.3); c.8993-939C>T (NM_004010.3).
Identifiers: ClinVar variation 680603 (VCV000680603.1), dbSNP rs73617055, ClinGen allele CA328408246.

ClinVar aggregate classification (germline): Benign (1 of 4 stars; one submission).

Allele frequency attached by ClinVar (database versions not stated): gnomAD 0.08507 and 0.08578; TOPMed 0.08647; 1000 Genomes Project 0.08874; 1000 Genomes Project 30x 0.08928.
gnomAD v4.1: 9,634 of 111,672 alleles (8.6%); highest among the groups gnomAD compares: Admixed American, 15%; 350 homozygotes.

Submission:

GeneDx
Classification: Benign. Last evaluated: 2018-06-14. Review status: criteria provided, single submitter. Criteria: GeneDx Variant Classification (06012015). Collection method: clinical testing. Allele origin: germline. Affected: yes.
Comment: This variant is considered likely benign or benign based on one or more of the following criteria: it is a conservative change, it occurs at a poorly conserved position in the protein, it is predicted to be benign by multiple in silico algorithms, and/or has population frequency not consistent with disease.